The following is an entry in ClinVar:

NM_004006.3(DMD):c.5697dup (p.Leu1900fs)

Gene: DMD (dystrophin; minus strand). Cytogenetic location: Xp21.1.
Variant type: Duplication.
Coding change: c.5697dup on transcript NM_004006.3 (MANE Select); coding-DNA position 5697, one base duplicated (A; older notation c.5697dupA).
Protein change: p.Leu1900fs; shifts the reading frame from leucine 1900.
Genome position (GRCh38, 1-based): chrX:32,343,176, T duplicated on the plus strand (A on the coding strand, the reverse complement: DMD is on the minus strand); the first of 8 consecutive T bases (chrX:32,343,176-32,343,183); duplicating any one gives the same sequence. VCF-style (leftmost placement, unchanged base first): chrX-32343175-A-AT. GRCh37 (hg19) VCF-style: chrX-32361292-A-AT.
Other names: c.5673dup, p.Leu1892fs (NM_000109.4); c.5685dup, p.Leu1896fs (NM_004009.3); c.5328dup, p.Leu1777fs (NM_004010.3); c.1674dup, p.Leu559fs (NM_004011.4); c.1665dup, p.Leu556fs (NM_004012.4); c.5697dup (NM_004006.2); short protein forms L1896fs, L556fs, L559fs, L1892fs, L1900fs, L1777fs.
Identifiers: ClinVar variation 597052 (VCV000597052.22), dbSNP rs794727661, ClinGen allele CA645619976.

ClinVar aggregate classification (germline): Pathogenic. Review status: criteria provided, multiple submitters, no conflicts (2 of 4 stars). 7 submissions from 7 submitters: Pathogenic (6). 1 of the submissions does not count toward it. Last evaluated 2025-04-03.

Conditions:
Cardiomyopathy (CMYO). Also called: Cardiomyopathies. Identifiers: Orphanet 167848, MedGen C0878544, MONDO:0004994, HP:0001638. Inheritance: Various modes of inheritance.
Duchenne muscular dystrophy (DMD). Also called: MUSCULAR DYSTROPHY, PSEUDOHYPERTROPHIC PROGRESSIVE, DUCHENNE TYPE; Duchenne Muscular Dystrophy (DMD). Identifiers: Orphanet 98896, MedGen C0013264, MONDO:0010679, OMIM 310200.
Becker muscular dystrophy (BMD). Also called: MUSCULAR DYSTROPHY, PSEUDOHYPERTROPHIC PROGRESSIVE, BECKER TYPE; Becker Muscular Dystrophy (BMD). Identifiers: Orphanet 98895, MedGen C0917713, MONDO:0010311, OMIM 300376.
Dystrophin deficiency.

Submissions (7):

Revvity Omics, Revvity
Classification: Pathogenic. Last evaluated: 2025-04-03. Review status: criteria provided, single submitter. Criteria: ACMG Guidelines, 2015. Collection method: clinical testing. Allele origin: germline.

GeneDx
Classification: Pathogenic. Last evaluated: 2024-09-13. Review status: criteria provided, single submitter. Criteria: GeneDx Variant Classification Process June 2021. Collection method: clinical testing. Allele origin: germline. Affected: yes.
Comment: Frameshift variant predicted to result in protein truncation or nonsense mediated decay in a gene for which loss of function is a known mechanism of disease; Not observed at significant frequency in large population cohorts (gnomAD); This variant is associated with the following publications: (PMID: 34802424, 34679607, 36082559, 19959795, 16770791)

Labcorp Genetics (formerly Invitae), Labcorp
Classification: Pathogenic for Duchenne muscular dystrophy. Last evaluated: 2024-07-12. Review status: criteria provided, single submitter. Criteria: Invitae Variant Classification Sherloc (09022015). Collection method: clinical testing. Allele origin: germline.
Comment: This sequence change creates a premature translational stop signal (p.Leu1900Ilefs*6) in the DMD gene. It is expected to result in an absent or disrupted protein product. Loss-of-function variants in DMD are known to be pathogenic (PMID: 16770791, 25007885). This variant is not present in population databases (gnomAD no frequency). This premature translational stop signal has been observed in individual(s) with Duchenne muscular dystrophy (PMID: 19959795). ClinVar contains an entry for this variant (Variation ID: 597052). Algorithms developed to predict the effect of sequence changes on RNA splicing suggest that this variant may disrupt the consensus splice site. For these reasons, this variant has been classified as Pathogenic.

Laboratory of Medical Genetics, National & Kapodistrian University of Athens
Classification: Pathogenic for Duchenne muscular dystrophy. Last evaluated: 2022-12-16. Review status: criteria provided, single submitter. Criteria: ACMG Guidelines, 2015. Collection method: clinical testing. Allele origin: germline. Affected: yes.
Comment: PVS1, PM2, PP5

Mendelics
Classification: Pathogenic for Duchenne muscular dystrophy. Last evaluated: 2019-05-28. Review status: criteria provided, single submitter. Criteria: Mendelics Assertion Criteria 2017. Collection method: clinical testing. Allele origin: unknown.

Eurofins Ntd Llc (ga)
Classification: Pathogenic. Last evaluated: 2018-05-08. Review status: criteria provided, single submitter. Criteria: EGL ClinVar v180209 classification definitions. Collection method: clinical testing. Allele origin: germline. Observed: 1 variant allele, 1 heterozygote.

Natera, Inc.
Classification: Pathogenic for Becker muscular dystrophy; Cardiomyopathy; Duchenne muscular dystrophy; Dystrophin deficiency. Last evaluated: 2021-03-24. Review status: no assertion criteria provided. Collection method: clinical testing. Allele origin: germline. Not counted in ClinVar's aggregate classification.

Literature cited by the submitters: PubMed 16770791 (cited by Labcorp Genetics (formerly Invitae), Labcorp); PubMed 25007885 (cited by Labcorp Genetics (formerly Invitae), Labcorp); PubMed 19959795 (cited by Labcorp Genetics (formerly Invitae), Labcorp); PubMed 33101180 (cited by Laboratory of Medical Genetics, National & Kapodistrian University of Athens); PubMed 33644936 (cited by Laboratory of Medical Genetics, National & Kapodistrian University of Athens).